The following is an entry in ClinVar:

ClinVar aggregate classification (germline): Uncertain significance. Review status: criteria provided, multiple submitters, no conflicts (2 of 4 stars). 2 submissions from 2 submitters: Uncertain significance (2). Last evaluated 2026-08-06.

Conditions:
Autosomal dominant keratitis-ichthyosis-hearing loss syndrome. Also called: Senter syndrome; KID SYNDROME, AUTOSOMAL DOMINANT; HID SYNDROME. Identifiers: Orphanet 477, MedGen C0265336, MONDO:0007850, OMIM 148210.

gnomAD v4.1: 1 of 1,614,038 alleles (0.000062%); highest among the groups gnomAD compares: Admixed American, 0.0017%; no homozygotes.

Submissions (2):

OLLIN Analises Genomicas, OLLIN
Classification: Uncertain significance for Autosomal dominant keratitis-ichthyosis-hearing loss syndrome. Last evaluated: 2026-08-06. Review status: criteria provided, single submitter. Criteria: ACMG Guidelines 2015 PMID 25741868. Collection method: clinical testing. Allele origin: germline.
Comment: This missense variant, located in exon 2 (of 2), has been observed in gnomAD with an allele frequency of 0.000062%, but has not been reported in ClinVar or identified in the literature. In silico analysis predicts that this variant has a deleterious effect. According to the currently available evidence, this variant has been classified as uncertain significance (PM2_P, PP3).

Labcorp Genetics (formerly Invitae), Labcorp
Classification: Uncertain significance. Last evaluated: 2025-08-27. Review status: criteria provided, single submitter. Criteria: Invitae Variant Classification Sherloc (09022015). Collection method: clinical testing. Allele origin: germline.
Comment: This sequence change replaces tryptophan, which is neutral and slightly polar, with cysteine, which is neutral and slightly polar, at codon 134 of the GJB2 protein (p.Trp134Cys). This variant is not present in population databases (gnomAD no frequency). This variant has not been reported in the literature in individuals affected with GJB2-related conditions. Invitae Evidence Modeling of protein sequence and biophysical properties (such as structural, functional, and spatial information, amino acid conservation, physicochemical variation, residue mobility, and thermodynamic stability) indicates that this missense variant is expected to disrupt GJB2 protein function with a positive predictive value of 95%. In summary, the available evidence is currently insufficient to determine the role of this variant in disease. Therefore, it has been classified as a Variant of Uncertain Significance.

NM_004004.6(GJB2):c.402G>T (p.Trp134Cys)

Gene: GJB2 (gap junction protein beta 2; minus strand). Cytogenetic location: 13q12.11.
Variant type: single nucleotide variant.
Coding change: c.402G>T on transcript NM_004004.6 (MANE Select); coding-DNA position 402, G replaced by T.
Protein change: p.Trp134Cys; replaces tryptophan 134 with cysteine.
Molecular consequence: missense variant.
Genome position (GRCh38, 1-based): chr13:20,189,180, C>A on the plus strand (G>T on the coding strand, the complement: GJB2 is on the minus strand). VCF-style: chr13-20189180-C-A. GRCh37 (hg19) VCF-style: chr13-20763319-C-A.
Other names: short protein forms W134C.
Identifiers: ClinVar variation 4752990 (VCV004752990.2).